The following is an entry in ClinVar:

ClinVar aggregate classification (germline): Conflicting classifications of pathogenicity. Review status: criteria provided, conflicting classifications (1 of 4 stars). 2 submissions from 2 submitters: Uncertain significance (1); Likely benign (1). Last evaluated 2021-04-12.

Conditions:
Hearing impairment. Also called: Impaired Hearing. Identifiers: MedGen C1384666, MONDO:0005365, HP:0000365.

Allele frequency attached by ClinVar (database versions not stated): gnomAD exomes 0.00002 and 0.00009; ExAC 0.00012; gnomAD 0.00017 and 0.00018; TOPMed 0.00018; ESP Exome Variant Server 0.00023; 1000 Genomes Project 30x 0.00031; 1000 Genomes Project 0.00040.
gnomAD v4.1: 55 of 1,613,828 alleles (0.0034%); highest among the groups gnomAD compares: African/African-American, 0.039%; no homozygotes.

Submissions (2):

Department of Otolaryngology – Head & Neck Surgery, Cochlear Implant Center
Classification: Uncertain significance for Hearing impairment. Last evaluated: 2021-04-12. Review status: criteria provided, single submitter. Criteria: ClinGen HL ACMG Specifications v1. Collection method: clinical testing. Allele origin: germline. Affected: yes.
Comment: PM2_Supporting, PP3_Supporting

Labcorp Genetics (formerly Invitae), Labcorp
Classification: Likely benign. Last evaluated: 2017-09-20. Review status: criteria provided, single submitter. Criteria: Invitae Variant Classification Sherloc (09022015). Collection method: clinical testing. Allele origin: germline.

NM_153676.4(USH1C):c.1399C>T (p.Arg467Trp)

Gene: USH1C (USH1 protein network component harmonin; minus strand). Cytogenetic location: 11p15.1.
Variant type: single nucleotide variant.
Coding change: c.1399C>T on transcript NM_153676.4 (MANE Select); coding-DNA position 1399, C replaced by T.
Protein change: p.Arg467Trp; replaces arginine 467 with tryptophan.
Molecular consequence: missense variant. On other transcripts: intron variant (2).
Genome position (GRCh38, 1-based): chr11:17,511,916, G>A on the plus strand (C>T on the coding strand, the complement: USH1C is on the minus strand). VCF-style: chr11-17511916-G-A. GRCh37 (hg19) VCF-style: chr11-17533463-G-A.
Other names: c.1227+5485C>T (NM_001297764.2); c.1284+5485C>T (NM_005709.4); short protein forms R467W.
Identifiers: ClinVar variation 713350 (VCV000713350.6), dbSNP rs138996642, ClinGen allele CA5904586.